The following is an entry in ClinVar:

ClinVar aggregate classification (germline): Uncertain significance. Review status: criteria provided, multiple submitters, no conflicts (2 of 4 stars). 3 submissions from 3 submitters: Uncertain significance (3). Last evaluated 2023-08-04.

Conditions:
SBF2-related disorder. Also called: SBF2-related condition.
Inborn genetic diseases. Identifiers: MedGen C0950123, MeSH D030342.
Charcot-Marie-Tooth disease type 4. Also called: Charcot-Marie-Tooth, Type 4; Charcot-Marie-Tooth disease, type IV. Identifiers: Orphanet 64749, MedGen C4082197, MONDO:0018995.

Allele frequency attached by ClinVar (database versions not stated): gnomAD exomes below 0.00001; TOPMed below 0.00001; gnomAD 0.00001; ESP Exome Variant Server 0.00008.
gnomAD v4.1: 5 of 1,614,032 alleles (0.00031%); highest among the groups gnomAD compares: Non-Finnish European, 0.00042%; no homozygotes.

Submissions (3):

PreventionGenetics, part of Exact Sciences
Classification: Uncertain significance for SBF2-related condition. Last evaluated: 2023-08-04. Review status: criteria provided, single submitter. Criteria: ACMG Guidelines, 2015. Collection method: clinical testing. Allele origin: germline.
Comment: The SBF2 c.2155G>A variant is predicted to result in the amino acid substitution p.Glu719Lys. To our knowledge, this variant has not been reported in the literature or in a large population database, indicating this variant is rare. At this time, the clinical significance of this variant is uncertain due to the absence of conclusive functional and genetic evidence.

Labcorp Genetics (formerly Invitae), Labcorp
Classification: Uncertain significance for Charcot-Marie-Tooth disease type 4. Last evaluated: 2022-02-04. Review status: criteria provided, single submitter. Criteria: Invitae Variant Classification Sherloc (09022015). Collection method: clinical testing. Allele origin: germline.
Comment: This sequence change replaces glutamic acid, which is acidic and polar, with lysine, which is basic and polar, at codon 719 of the SBF2 protein (p.Glu719Lys). This variant is not present in population databases (gnomAD no frequency). This variant has not been reported in the literature in individuals affected with SBF2-related conditions. ClinVar contains an entry for this variant (Variation ID: 1025647). Algorithms developed to predict the effect of missense changes on protein structure and function are either unavailable or do not agree on the potential impact of this missense change (SIFT: "Deleterious"; PolyPhen-2: "Possibly Damaging"; Align-GVGD: "Class C0"). In summary, the available evidence is currently insufficient to determine the role of this variant in disease. Therefore, it has been classified as a Variant of Uncertain Significance.

Ambry Genetics
Classification: Uncertain significance for Inborn genetic diseases. Last evaluated: 2021-10-06. Review status: criteria provided, single submitter. Criteria: Ambry Variant Classification Scheme 2023. Collection method: clinical testing. Allele origin: germline.

NM_030962.4(SBF2):c.2155G>A (p.Glu719Lys)

Genes: SBF2 (SET binding factor 2; minus strand), LOC101928008 (uncharacterized LOC101928008; plus strand). Cytogenetic location: 11p15.4.
Variant type: single nucleotide variant.
Coding change: c.2155G>A on transcript NM_030962.4 (MANE Select); coding-DNA position 2155, G replaced by A.
Protein change: p.Glu719Lys; replaces glutamic acid 719 with lysine.
Molecular consequence: missense variant.
Genome position (GRCh38, 1-based): chr11:9,856,666, C>T on the plus strand (G>A on the coding strand, the complement: SBF2 is on the minus strand). VCF-style: chr11-9856666-C-T. GRCh37 (hg19) VCF-style: chr11-9878213-C-T.
Other names: c.2155G>A, p.Glu719Lys (NM_001386339.1); c.2026G>A, p.Glu676Lys (NM_001386342.1); c.2155G>A (NM_030962.3); short protein forms E719K, E676K.
Identifiers: ClinVar variation 1025647 (VCV001025647.8), dbSNP rs149162783, ClinGen allele CA217621540.